The following is an entry in ClinVar:

NM_001200.4(BMP2):c.1190A>C (p.Ter397Ser)

Gene: BMP2 (bone morphogenetic protein 2; plus strand). Cytogenetic location: 20p12.3.
Variant type: single nucleotide variant.
Coding change: c.1190A>C on transcript NM_001200.4 (MANE Select); coding-DNA position 1190, A replaced by C.
Protein change: p.Ter397Ser.
Molecular consequence: stop lost.
Genome position (GRCh38, 1-based): chr20:6,779,088, A>C. VCF-style: chr20-6779088-A-C. GRCh37 (hg19) VCF-style: chr20-6759735-A-C.
Identifiers: ClinVar variation 986057 (VCV000986057.4), dbSNP rs1986568109, ClinGen allele CA408260026.

ClinVar aggregate classification (germline): Likely pathogenic (1 of 4 stars; one submission).

Conditions:
Inborn genetic diseases. Identifiers: MedGen C0950123, MeSH D030342.

Submission:

Ambry Genetics
Classification: Likely pathogenic for Inborn genetic diseases. Last evaluated: 2026-03-05. Review status: criteria provided, single submitter. Criteria: Ambry Variant Classification Scheme 2023. Collection method: clinical testing. Allele origin: germline.
Comment: The c.1190A>C (p.*397Sext*53) variant, located in coding exon 2 of the BMP2 gene, results from a A to C substitution at nucleotide position 1190, which is the penultimate nucleotide of the BMP2 gene. This variant disrupts the stop codon of the BMP2 gene and is predicted to preserve the native sequence while resulting in the elongation of the protein by 53 amino acids. This variant was not reported in population-based cohorts in the Genome Aggregation Database (gnomAD). Other variant(s) resulting in a similar elongation, c.1191G>C (p.*397Yext*53), were determined to be de novo in at least one individual with features consistent with BMP2-related skeletal dysplasia (external communication). Based on the available evidence, this alteration is classified as likely pathogenic.